The following is an entry in ClinVar:

NM_025114.4(CEP290):c.6161A>G (p.His2054Arg)

Gene: CEP290 (centrosomal protein 290; minus strand). Cytogenetic location: 12q21.32.
Variant type: single nucleotide variant.
Coding change: c.6161A>G on transcript NM_025114.4 (MANE Select); coding-DNA position 6161, A replaced by G.
Protein change: p.His2054Arg; replaces histidine 2054 with arginine.
Molecular consequence: missense variant.
Genome position (GRCh38, 1-based): chr12:88,064,090, T>C on the plus strand (A>G on the coding strand, the complement: CEP290 is on the minus strand). VCF-style: chr12-88064090-T-C. GRCh37 (hg19) VCF-style: chr12-88457867-T-C.
Other names: short protein forms H2054R.
Identifiers: ClinVar variation 4994738 (VCV004994738.1).

ClinVar aggregate classification (germline): Uncertain significance (1 of 4 stars; one submission).

Conditions:
CEP290-related disorder. Also called: CEP290-related condition; CEP290-related disorders. Identifiers: MedGen CN239314.

Submission:

PreventionGenetics, part of Exact Sciences
Classification: Uncertain significance for CEP290-related condition. Last evaluated: 2026-05-16. Review status: criteria provided, single submitter. Criteria: ACMG Guidelines, 2015. Collection method: clinical testing. Allele origin: germline.
Comment: The CEP290 c.6161A>G variant is predicted to result in the amino acid substitution p.His2054Arg. To our knowledge, this variant has not been reported in the literature or in a large population database (gnomAD), indicating this variant is rare. At this time, the clinical significance of this variant is uncertain due to the absence of conclusive functional and genetic evidence.